The following is an entry in ClinVar:

NM_005560.6(LAMA5):c.4652+7G>T

Gene: LAMA5 (laminin subunit alpha 5; minus strand). Cytogenetic location: 20q13.33.
Variant type: single nucleotide variant.
Coding change: c.4652+7G>T on transcript NM_005560.6 (MANE Select); 7 bases into the intron after coding-DNA position 4652, G replaced by T.
Molecular consequence: intron variant.
Genome position (GRCh38, 1-based): chr20:62,328,234, C>A on the plus strand (G>T on the coding strand, the complement: LAMA5 is on the minus strand). VCF-style: chr20-62328234-C-A. GRCh37 (hg19) VCF-style: chr20-60903290-C-A.
Identifiers: ClinVar variation 3047864 (VCV003047864.2), dbSNP rs181124267, ClinGen allele CA636609820.

ClinVar aggregate classification (germline): Likely benign (0 of 4 stars; one submission).

Conditions:
LAMA5-related disorder. Also called: LAMA5-Related Disorders; LAMA5-related condition.

gnomAD v4.1: 15 of 1,596,334 alleles (0.00094%); highest among the groups gnomAD compares: Middle Eastern, 0.17%; no homozygotes.

Submission:

PreventionGenetics, part of Exact Sciences
Classification: Likely benign for LAMA5-related condition. Last evaluated: 2019-03-25. Review status: no assertion criteria provided. Collection method: clinical testing. Allele origin: germline.
Comment: This variant is classified as likely benign based on ACMG/AMP sequence variant interpretation guidelines (Richards et al. 2015 PMID: 25741868, with internal and published modifications).